The following is an entry in ClinVar:

ClinVar aggregate classification (germline): Uncertain significance (1 of 4 stars; one submission).

gnomAD v4.1: 2 of 1,179,732 alleles (0.00017%); highest among the groups gnomAD compares: Non-Finnish European, 0.00011%; no homozygotes.

Submission:

GeneDx
Classification: Uncertain significance. Last evaluated: 2024-02-05. Review status: criteria provided, single submitter. Criteria: GeneDx Variant Classification Process June 2021. Collection method: clinical testing. Allele origin: germline. Affected: yes.
Comment: Not observed at significant frequency in large population cohorts (gnomAD); In silico analysis supports that this missense variant does not alter protein structure/function; Has not been previously published as pathogenic or benign to our knowledge

NM_006521.6(TFE3):c.35T>C (p.Val12Ala)

Gene: TFE3 (transcription factor binding to IGHM enhancer 3; minus strand). Cytogenetic location: Xp11.23.
Variant type: single nucleotide variant.
Coding change: c.35T>C on transcript NM_006521.6 (MANE Select); coding-DNA position 35, T replaced by C.
Protein change: p.Val12Ala; replaces valine 12 with alanine.
Molecular consequence: missense variant. On other transcripts: 5 prime UTR variant (1).
Genome position (GRCh38, 1-based): chrX:49,043,192, A>G on the plus strand (T>C on the coding strand, the complement: TFE3 is on the minus strand). VCF-style: chrX-49043192-A-G. GRCh37 (hg19) VCF-style: chrX-48900718-A-G.
Other names: c.-216T>C (NM_001282142.2); short protein forms V12A.
Identifiers: ClinVar variation 3368554 (VCV003368554.1).
Genomic context (GRCh38, chrX:49,043,192, plus strand): 5'-GCCGGCCTGCGCTCCTCCAACAGCACGAACACGGCTCGAGGGCCCTCCGCGCTGGCCTCT[A>G]CGCCATCCCGAGCTGGTTCGGCCGCATGAGACATGACGCCCGGCCCCGGGCGAGCCCTGC-3'
Protein context (NP_006512.2, residues 2-22): SHAAEPARDG[Val12Ala]EASAEGPRAV